The following is an entry in ClinVar:

ClinVar aggregate classification (germline): Benign. Review status: criteria provided, single submitter (1 of 4 stars). 2 submissions from 2 submitters: Benign (1). 1 of the submissions does not count toward it. Last evaluated 2025-08-15.

Conditions:
GJB4-related disorder. Also called: GJB4-related condition.

Allele frequency attached by ClinVar (database versions not stated): 1000 Genomes Project 30x 0.00047; TOPMed 0.00007; ExAC 0.00035; ESP Exome Variant Server 0.00015; gnomAD 0.00012; 1000 Genomes Project 0.00060.

Submissions (2):

Labcorp Genetics (formerly Invitae), Labcorp
Classification: Benign. Last evaluated: 2025-08-15. Review status: criteria provided, single submitter. Criteria: Invitae Variant Classification Sherloc (09022015). Collection method: clinical testing. Allele origin: germline.

PreventionGenetics, part of Exact Sciences
Classification: Likely benign for GJB4-related condition. Last evaluated: 2019-03-01. Review status: no assertion criteria provided. Collection method: clinical testing. Allele origin: germline. Not counted in ClinVar's aggregate classification.
Comment: This variant is classified as likely benign based on ACMG/AMP sequence variant interpretation guidelines (Richards et al. 2015 PMID: 25741868, with internal and published modifications).

NM_153212.3(GJB4):c.294C>T (p.Arg98=)

Gene: GJB4 (gap junction protein beta 4; plus strand). Cytogenetic location: 1p34.3.
Variant type: single nucleotide variant.
Coding change: c.294C>T on transcript NM_153212.3 (MANE Select); coding-DNA position 294, C replaced by T.
Protein change: p.Arg98=; no amino-acid change (arginine 98 retained).
Molecular consequence: synonymous variant.
Genome position (GRCh38, 1-based): chr1:34,761,548, C>T. VCF-style: chr1-34761548-C-T. GRCh37 (hg19) VCF-style: chr1-35227149-C-T.
Other names: c.294C>T (NM_153212.2).
Identifiers: ClinVar variation 2920395 (VCV002920395.5), dbSNP rs199643649, ClinGen allele CA754538.